The following is an entry in ClinVar:

ClinVar aggregate classification (germline): Likely pathogenic. Review status: criteria provided, multiple submitters, no conflicts (2 of 4 stars). 2 submissions from 2 submitters: Likely pathogenic (2). Last evaluated 2025-01-27.

Conditions:
Familial hypokalemia-hypomagnesemia (GTLMNS). Also called: gitelman syndrome; HYPOMAGNESEMIA-HYPOKALEMIA, PRIMARY RENOTUBULAR, WITH HYPOCALCIURIA; POTASSIUM AND MAGNESIUM DEPLETION. Identifiers: Orphanet 358, MedGen C0268450, MONDO:0009904, OMIM 263800.

Allele frequency attached by ClinVar (database versions not stated): ExAC 0.00001; gnomAD 0.00001; TOPMed 0.00001.
gnomAD v4.1: 5 of 1,613,886 alleles (0.00031%); highest among the groups gnomAD compares: South Asian, 0.0022%; no homozygotes.

Submissions (2):

Natera, Inc.
Classification: Likely pathogenic for Gitelman syndrome. Last evaluated: 2025-01-27. Review status: criteria provided, single submitter. Criteria: Natera Variant Classification Schema (03/2026). Collection method: clinical testing. Allele origin: germline.
Comment: The c.676G>A variant in SLC12A3 is a missense variant predicted to cause substitution of alanine to threonine at amino acid 226. This variant is rare in the general population with a frequency below the threshold expected for the associated phenotype(s). This variant has been observed in one or more individuals affected with the associated recessive disease, as either homozygous or compound heterozygous with a second variant (PMID: 33993910). Computational prediction algorithms indicate this variant is likely to affect gene or protein function. Given the available evidence, this variant is classified as Likely Pathogenic.

Labcorp Genetics (formerly Invitae), Labcorp
Classification: Likely pathogenic. Last evaluated: 2023-09-20. Review status: criteria provided, single submitter. Criteria: Invitae Variant Classification Sherloc (09022015). Collection method: clinical testing. Allele origin: germline.
Comment: This sequence change replaces alanine, which is neutral and non-polar, with threonine, which is neutral and polar, at codon 226 of the SLC12A3 protein (p.Ala226Thr). This variant is present in population databases (rs774753202, gnomAD 0.003%). This missense change has been observed in individual(s) with Gitelman syndrome (PMID: 9734597, 33993910). In at least one individual the data is consistent with being in trans (on the opposite chromosome) from a pathogenic variant. ClinVar contains an entry for this variant (Variation ID: 2137819). Advanced modeling of protein sequence and biophysical properties (such as structural, functional, and spatial information, amino acid conservation, physicochemical variation, residue mobility, and thermodynamic stability) performed at Invitae indicates that this missense variant is expected to disrupt SLC12A3 protein function. In summary, the currently available evidence indicates that the variant is pathogenic, but additional data are needed to prove that conclusively. Therefore, this variant has been classified as Likely Pathogenic.

Literature cited by the submitters: PubMed 33993910 (cited by Natera, Inc. and Labcorp Genetics (formerly Invitae), Labcorp); PubMed 9734597 (cited by Labcorp Genetics (formerly Invitae), Labcorp).

NM_001126108.2(SLC12A3):c.676G>A (p.Ala226Thr)

Gene: SLC12A3 (solute carrier family 12 member 3; plus strand). Cytogenetic location: 16q13.
Variant type: single nucleotide variant.
Coding change: c.676G>A on transcript NM_001126108.2 (MANE Select); coding-DNA position 676, G replaced by A.
Protein change: p.Ala226Thr; replaces alanine 226 with threonine.
Molecular consequence: missense variant.
Genome position (GRCh38, 1-based): chr16:56,870,170, G>A. VCF-style: chr16-56870170-G-A. GRCh37 (hg19) VCF-style: chr16-56904082-G-A.
Other names: c.676G>A, p.Ala226Thr (NM_000339.3); c.673G>A, p.Ala225Thr (NM_001126107.2, NM_001410896.1); c.676G>A (NM_000339.2); short protein forms A225T, A226T.
Identifiers: ClinVar variation 2137819 (VCV002137819.6), dbSNP rs774753202, ClinGen allele CA8069141.